The following is an entry in ClinVar:

ClinVar aggregate classification (germline): Uncertain significance (1 of 4 stars; one submission).

Conditions:
Hypotonia, infantile, with psychomotor retardation and characteristic facies 3 (IHPRF3). Also called: TBCK-Related Neurodevelopmental Disorder. Identifiers: Orphanet 488632, MedGen C5567480, MONDO:0014823, OMIM 616900.

Submission:

Baylor Genetics
Classification: Uncertain significance for Hypotonia, infantile, with psychomotor retardation and characteristic facies 3. Last evaluated: 2020-01-09. Review status: criteria provided, single submitter. Criteria: ACMG Guidelines, 2015. Collection method: clinical testing. Allele origin: unknown. Affected: yes.
Comment: This variant was determined to be of uncertain significance according to ACMG Guidelines, 2015 [PMID:25741868].

NM_001163435.3(TBCK):c.454G>C (p.Gly152Arg)

Gene: TBCK (TBC1 domain containing kinase; minus strand). Cytogenetic location: 4q24.
Variant type: single nucleotide variant.
Coding change: c.454G>C on transcript NM_001163435.3 (MANE Select); coding-DNA position 454, G replaced by C.
Protein change: p.Gly152Arg; replaces glycine 152 with arginine.
Molecular consequence: missense variant. On other transcripts: 5 prime UTR variant (1), intron variant (1).
Genome position (GRCh38, 1-based): chr4:106,260,438, C>G on the plus strand (G>C on the coding strand, the complement: TBCK is on the minus strand). VCF-style: chr4-106260438-C-G. GRCh37 (hg19) VCF-style: chr4-107181595-C-G.
Other names: c.454G>C, p.Gly152Arg (NM_001163436.4, NM_001163437.3); c.-164G>C (NM_001290768.2); c.267-8431G>C (NM_033115.5); short protein forms G152R.
Identifiers: ClinVar variation 1029176 (VCV001029176.1), dbSNP rs1762393554, ClinGen allele CA357969939.
Genomic context (GRCh38, chr4:106,260,438, plus strand): 5'-TGTTATCAAAGATTACAAAGTTAAAAAGAAACTCAAAATAGAGGAAAACATATCCTTACC[C>G]TATTGGGAAATCAACATCATCACCATGAGCTGTCATGTGATAAAGTCCAAATTTAGCCAA-3'
Protein context (NP_001156907.2, residues 142-162): AHGDDVDFPI[Gly152Arg]YPSYLAPEVI